The following is an entry in ClinVar:

ClinVar aggregate classification (germline): Pathogenic (1 of 4 stars; one submission).

gnomAD v4.1: 1 of 1,614,186 alleles (0.000062%); highest among the groups gnomAD compares: Non-Finnish European, 0.000085%; no homozygotes.

Submission:

Labcorp Genetics (formerly Invitae), Labcorp
Classification: Pathogenic. Last evaluated: 2023-08-05. Review status: criteria provided, single submitter. Criteria: Invitae Variant Classification Sherloc (09022015). Collection method: clinical testing. Allele origin: germline.
Comment: For these reasons, this variant has been classified as Pathogenic. Algorithms developed to predict the effect of sequence changes on RNA splicing suggest that this variant may disrupt the consensus splice site. Disruption of this splice site has been observed in individual(s) with Stargardt disease (PMID: 19265867). This variant is not present in population databases (gnomAD no frequency). This sequence change affects a donor splice site in intron 9 of the ABCA4 gene. It is expected to disrupt RNA splicing. Variants that disrupt the donor or acceptor splice site typically lead to a loss of protein function (PMID: 16199547), and loss-of-function variants in ABCA4 are known to be pathogenic (PMID: 10958761, 24938718, 25312043, 26780318).

Literature cited by the submitters: PubMed 19265867; PubMed 16199547; PubMed 10958761; PubMed 24938718; PubMed 25312043; PubMed 26780318.

NM_000350.3(ABCA4):c.1239+1G>A

Gene: ABCA4 (ATP binding cassette subfamily A member 4; minus strand). Cytogenetic location: 1p22.1.
Variant type: single nucleotide variant.
Coding change: c.1239+1G>A on transcript NM_000350.3 (MANE Select); the canonical splice donor site of the intron after coding-DNA position 1239, G replaced by A.
Molecular consequence: splice donor variant.
Genome position (GRCh38, 1-based): chr1:94,079,321, C>T on the plus strand (G>A on the coding strand, the complement: ABCA4 is on the minus strand). VCF-style: chr1-94079321-C-T. GRCh37 (hg19) VCF-style: chr1-94544877-C-T.
Identifiers: ClinVar variation 2864191 (VCV002864191.3), dbSNP rs765707028, ClinGen allele CA341283253.